The following is an entry in ClinVar:

ClinVar aggregate classification (germline): Uncertain significance. Review status: criteria provided, multiple submitters, no conflicts (2 of 4 stars). 2 submissions from 2 submitters: Uncertain significance (2). Last evaluated 2024-03-29.

Allele frequency attached by ClinVar (database versions not stated): gnomAD exomes 0.00001 and 0.00004; ExAC 0.00006; ESP Exome Variant Server 0.00008; TOPMed 0.00019; gnomAD 0.00024 and 0.00027; 1000 Genomes Project 0.00040; 1000 Genomes Project 30x 0.00047.
gnomAD v4.1: 52 of 1,614,026 alleles (0.0032%); highest among the groups gnomAD compares: African/African-American, 0.064%; no homozygotes.

Submissions (2):

GeneDx
Classification: Uncertain significance. Last evaluated: 2024-03-29. Review status: criteria provided, single submitter. Criteria: GeneDx Variant Classification Process June 2021. Collection method: clinical testing. Allele origin: germline. Affected: yes.
Comment: Has not been previously published as pathogenic or benign to our knowledge; In silico analysis supports that this missense variant does not alter protein structure/function; Variants in candidate genes are classified as variants of uncertain significance in accordance with ACMG guidelines (PMID: 25741868)

Ambry Genetics
Classification: Uncertain significance. Last evaluated: 2021-07-27. Review status: criteria provided, single submitter. Criteria: Ambry Variant Classification Scheme 2023. Collection method: clinical testing. Allele origin: germline.

NM_001018116.2(CAVIN4):c.59G>C (p.Ser20Thr)

Gene: CAVIN4 (caveolae associated protein 4; plus strand). Cytogenetic location: 9q31.1.
Variant type: single nucleotide variant.
Coding change: c.59G>C on transcript NM_001018116.2 (MANE Select); coding-DNA position 59, G replaced by C.
Protein change: p.Ser20Thr; replaces serine 20 with threonine.
Molecular consequence: missense variant.
Genome position (GRCh38, 1-based): chr9:100,578,202, G>C. VCF-style: chr9-100578202-G-C. GRCh37 (hg19) VCF-style: chr9-103340484-G-C.
Other names: c.59G>C (NM_001018116.1); short protein forms S20T.
Identifiers: ClinVar variation 1179946 (VCV001179946.7), dbSNP rs149928914, ClinGen allele CA5159978.